The following is an entry in ClinVar:

NM_003982.4(SLC7A7):c.241C>T (p.Leu81Phe)

Gene: SLC7A7 (solute carrier family 7 member 7; minus strand). Cytogenetic location: 14q11.2.
Variant type: single nucleotide variant.
Coding change: c.241C>T on transcript NM_003982.4 (MANE Select); coding-DNA position 241, C replaced by T.
Protein change: p.Leu81Phe; replaces leucine 81 with phenylalanine.
Molecular consequence: missense variant.
Genome position (GRCh38, 1-based): chr14:22,813,158, G>A on the plus strand (C>T on the coding strand, the complement: SLC7A7 is on the minus strand). VCF-style: chr14-22813158-G-A. GRCh37 (hg19) VCF-style: chr14-23282367-G-A.
Other names: c.241C>T, p.Leu81Phe (NM_001126105.3, NM_001126106.4); short protein forms L81F.
Identifiers: ClinVar variation 965649 (VCV000965649.11), dbSNP rs371860097, ClinGen allele CA7104744.

ClinVar aggregate classification (germline): Uncertain significance. Review status: criteria provided, multiple submitters, no conflicts (2 of 4 stars). 4 submissions from 4 submitters: Uncertain significance (3). 1 of the submissions does not count toward it. Last evaluated 2025-09-22.

Conditions:
Lysinuric protein intolerance (LPI). Identifiers: Orphanet 470, MedGen C0268647, MONDO:0009109, OMIM 222700.
Inborn genetic diseases. Identifiers: MedGen C0950123, MeSH D030342.

Allele frequency attached by ClinVar (database versions not stated): gnomAD 0.00003 and 0.00004; ExAC 0.00005; gnomAD exomes 0.00005; TOPMed 0.00006; ESP Exome Variant Server 0.00008.
gnomAD v4.1: 73 of 1,614,060 alleles (0.0045%); highest among the groups gnomAD compares: Admixed American, 0.017%; no homozygotes.

Submissions (4):

Ambry Genetics
Classification: Uncertain significance for Inborn genetic diseases. Last evaluated: 2025-09-22. Review status: criteria provided, single submitter. Criteria: Ambry Variant Classification Scheme 2023. Collection method: clinical testing. Allele origin: germline.

Labcorp Genetics (formerly Invitae), Labcorp
Classification: Uncertain significance for Lysinuric protein intolerance. Last evaluated: 2022-08-15. Review status: criteria provided, single submitter. Criteria: Invitae Variant Classification Sherloc (09022015). Collection method: clinical testing. Allele origin: germline.
Comment: This sequence change replaces leucine, which is neutral and non-polar, with phenylalanine, which is neutral and non-polar, at codon 81 of the SLC7A7 protein (p.Leu81Phe). This variant is present in population databases (rs371860097, gnomAD 0.009%). This variant has not been reported in the literature in individuals affected with SLC7A7-related conditions. ClinVar contains an entry for this variant (Variation ID: 965649). Algorithms developed to predict the effect of missense changes on protein structure and function (SIFT, PolyPhen-2, Align-GVGD) all suggest that this variant is likely to be tolerated. In summary, the available evidence is currently insufficient to determine the role of this variant in disease. Therefore, it has been classified as a Variant of Uncertain Significance.

Fulgent Genetics
Classification: Uncertain significance for Lysinuric protein intolerance. Last evaluated: 2021-09-23. Review status: criteria provided, single submitter. Criteria: ACMG Guidelines, 2015. Collection method: clinical testing. Allele origin: unknown.

Natera, Inc.
Classification: Uncertain significance for Lysinuric protein intolerance. Last evaluated: 2020-06-30. Review status: no assertion criteria provided. Collection method: clinical testing. Allele origin: germline. Not counted in ClinVar's aggregate classification.